The following is an entry in ClinVar:

NM_021813.4(BACH2):c.1825A>G (p.Arg609Gly)

Gene: BACH2 (BACH transcriptional regulator 2; minus strand). Cytogenetic location: 6q15.
Variant type: single nucleotide variant.
Coding change: c.1825A>G on transcript NM_021813.4 (MANE Select); coding-DNA position 1825, A replaced by G.
Protein change: p.Arg609Gly; replaces arginine 609 with glycine.
Molecular consequence: missense variant.
Genome position (GRCh38, 1-based): chr6:89,950,281, T>C on the plus strand (A>G on the coding strand, the complement: BACH2 is on the minus strand). VCF-style: chr6-89950281-T-C. GRCh37 (hg19) VCF-style: chr6-90660000-T-C.
Other names: c.1825A>G, p.Arg609Gly (NM_001170794.2); c.1825A>G (NM_021813.2); short protein forms R609G.
Identifiers: ClinVar variation 1474463 (VCV001474463.9), dbSNP rs199943623, ClinGen allele CA143342147.

ClinVar aggregate classification (germline): Uncertain significance. Review status: criteria provided, multiple submitters, no conflicts (2 of 4 stars). 2 submissions from 2 submitters: Uncertain significance (2). Last evaluated 2023-12-20.

Allele frequency attached by ClinVar (database versions not stated): gnomAD exomes below 0.00001; gnomAD 0.00001; 1000 Genomes Project 30x 0.00016; 1000 Genomes Project 0.00020.
gnomAD v4.1: 2 of 1,614,162 alleles (0.00012%); highest among the groups gnomAD compares: East Asian, 0.0022%; no homozygotes.

Submissions (2):

Ambry Genetics
Classification: Uncertain significance. Last evaluated: 2023-12-20. Review status: criteria provided, single submitter. Criteria: Ambry Variant Classification Scheme 2023. Collection method: clinical testing. Allele origin: germline.

Labcorp Genetics (formerly Invitae), Labcorp
Classification: Uncertain significance. Last evaluated: 2021-01-26. Review status: criteria provided, single submitter. Criteria: Invitae Variant Classification Sherloc (09022015). Collection method: clinical testing. Allele origin: germline.
Comment: This sequence change replaces arginine with glycine at codon 609 of the BACH2 protein (p.Arg609Gly). The arginine residue is highly conserved and there is a moderate physicochemical difference between arginine and glycine. In summary, the available evidence is currently insufficient to determine the role of this variant in disease. Therefore, it has been classified as a Variant of Uncertain Significance. Algorithms developed to predict the effect of missense changes on protein structure and function are either unavailable or do not agree on the potential impact of this missense change (SIFT: "Deleterious"; PolyPhen-2: "Benign"; Align-GVGD: "Class C0"). This variant has not been reported in the literature in individuals with BACH2-related conditions. This variant is not present in population databases (ExAC no frequency).